The following is an entry in ClinVar:

NM_001079668.3(NKX2-1):c.799G>A (p.Gly267Arg)

Genes: NKX2-1 (NK2 homeobox 1; minus strand), SFTA3 (surfactant associated 3; minus strand). Cytogenetic location: 14q13.3.
Variant type: single nucleotide variant.
Coding change: c.799G>A on transcript NM_001079668.3 (MANE Select); coding-DNA position 799, G replaced by A.
Protein change: p.Gly267Arg; replaces glycine 267 with arginine.
Molecular consequence: missense variant.
Genome position (GRCh38, 1-based): chr14:36,517,685, C>T on the plus strand (G>A on the coding strand, the complement: NKX2-1 is on the minus strand). VCF-style: chr14-36517685-C-T. GRCh37 (hg19) VCF-style: chr14-36986890-C-T.
Other names: c.709G>A, p.Gly237Arg (NM_003317.4); short protein forms G267R, G237R.
Identifiers: ClinVar variation 2061788 (VCV002061788.4), dbSNP rs1349998633, ClinGen allele CA389459009.

ClinVar aggregate classification (germline): Uncertain significance (1 of 4 stars; one submission).

Allele frequency attached by ClinVar (database versions not stated): gnomAD 0.00001.

Submission:

Labcorp Genetics (formerly Invitae), Labcorp
Classification: Uncertain significance. Last evaluated: 2023-10-13. Review status: criteria provided, single submitter. Criteria: Invitae Variant Classification Sherloc (09022015). Collection method: clinical testing. Allele origin: germline.
Comment: This sequence change replaces glycine, which is neutral and non-polar, with arginine, which is basic and polar, at codon 267 of the NKX2-1 protein (p.Gly267Arg). This variant is not present in population databases (gnomAD no frequency). This variant has not been reported in the literature in individuals affected with NKX2-1-related conditions. ClinVar contains an entry for this variant (Variation ID: 2061788). An algorithm developed to predict the effect of missense changes on protein structure and function (PolyPhen-2) suggests that this variant is likely to be disruptive. In summary, the available evidence is currently insufficient to determine the role of this variant in disease. Therefore, it has been classified as a Variant of Uncertain Significance.